The following is an entry in ClinVar:

NM_001166108.2(PALLD):c.2917G>T (p.Ala973Ser)

Genes: CBR4 (carbonyl reductase 4; minus strand), PALLD (palladin, cytoskeletal associated protein; plus strand). Cytogenetic location: 4q32.3.
Variant type: single nucleotide variant.
Coding change: c.2917G>T on transcript NM_001166108.2 (MANE Select); coding-DNA position 2917, G replaced by T.
Protein change: p.Ala973Ser; replaces alanine 973 with serine.
Molecular consequence: missense variant.
Genome position (GRCh38, 1-based): chr4:168,921,600, G>T. VCF-style: chr4-168921600-G-T. GRCh37 (hg19) VCF-style: chr4-169842751-G-T.
Other names: c.1720G>T, p.Ala574Ser (NM_001166109.2); c.1405G>T, p.Ala469Ser (NM_001166110.2); c.745G>T, p.Ala249Ser (NM_001367567.1, NM_001367569.1); c.796G>T, p.Ala266Ser (NM_001367568.1, NM_001367570.1); c.2866G>T, p.Ala956Ser (NM_016081.4); short protein forms A266S, A469S, A574S, A249S, A956S, A973S.
Identifiers: ClinVar variation 3885284 (VCV003885284.1).

ClinVar aggregate classification (germline): Uncertain significance (1 of 4 stars; one submission).

Submission:

Ambry Genetics
Classification: Uncertain significance. Last evaluated: 2024-12-27. Review status: criteria provided, single submitter. Criteria: Ambry Variant Classification Scheme 2023. Collection method: clinical testing. Allele origin: germline.
Comment: The p.A469S variant (also known as c.1405G>T), located in coding exon 8 of the PALLD gene, results from a G to T substitution at nucleotide position 1405. The alanine at codon 469 is replaced by serine, an amino acid with similar properties. This amino acid position is conserved. In addition, this alteration is predicted to be tolerated by in silico analysis. Based on the available evidence, the clinical significance of this variant remains unclear.